The following is an entry in ClinVar:

ClinVar aggregate classification (germline): Conflicting classifications of pathogenicity. Review status: criteria provided, conflicting classifications (1 of 4 stars). 2 submissions from 2 submitters: Uncertain significance (1); Likely benign (1). Last evaluated 2025-11-04.

Allele frequency attached by ClinVar (database versions not stated): gnomAD 0.00001; gnomAD exomes 0.00002; TOPMed 0.00002; ExAC 0.00004.
gnomAD v4.1: 12 of 1,465,522 alleles (0.00082%); highest among the groups gnomAD compares: African/African-American, 0.0015%; no homozygotes.

Submissions (2):

Women's Health and Genetics/Laboratory Corporation of America, LabCorp
Classification: Uncertain significance. Last evaluated: 2025-11-04. Review status: criteria provided, single submitter. Criteria: LabCorp Variant Classification Summary - May 2015. Collection method: clinical testing. Allele origin: germline.
Comment: Variant summary: ARID1B c.1745C>G (p.Pro582Arg) results in a non-conservative amino acid change in the encoded protein sequence. Algorithms developed to predict the effect of missense changes on protein structure and function are either unavailable or do not agree on the potential impact of this missense change. The variant allele was found at a frequency of 2e-05 in 153196 control chromosomes (gnomAD). The available data on variant occurrences in the general population are insufficient to allow any conclusion about variant significance. To our knowledge, no occurrence of c.1745C>G in individuals affected with ARID1B-related conditions and no experimental evidence demonstrating its impact on protein function have been reported. ClinVar contains an entry for this variant (Variation ID: 1437630). Based on the evidence outlined above, the variant was classified as uncertain significance.

Labcorp Genetics (formerly Invitae), Labcorp
Classification: Likely benign. Last evaluated: 2025-01-20. Review status: criteria provided, single submitter. Criteria: Invitae Variant Classification Sherloc (09022015). Collection method: clinical testing. Allele origin: germline.

NM_001374828.1(ARID1B):c.1745C>G (p.Pro582Arg)

Gene: ARID1B (AT-rich interaction domain 1B; plus strand). Cytogenetic location: 6q25.3.
Variant type: single nucleotide variant.
Coding change: c.1745C>G on transcript NM_001374828.1 (MANE Select); coding-DNA position 1745, C replaced by G.
Protein change: p.Pro582Arg; replaces proline 582 with arginine.
Molecular consequence: missense variant.
Genome position (GRCh38, 1-based): chr6:156,779,425, C>G. VCF-style: chr6-156779425-C-G. GRCh37 (hg19) VCF-style: chr6-157100559-C-G.
Other names: c.1745C>G, p.Pro582Arg (NM_001371656.1, NM_001374820.1, NM_017519.3); short protein forms P582R.
Identifiers: ClinVar variation 1437630 (VCV001437630.10), dbSNP rs751389585, ClinGen allele CA4066794.